The following is an entry in ClinVar:

ClinVar aggregate classification (germline): Likely benign (0 of 4 stars; one submission).

Conditions:
IQSEC1-related disorder. Also called: IQSEC1-related condition.

Submission:

PreventionGenetics, part of Exact Sciences
Classification: Likely benign for IQSEC1-related condition. Last evaluated: 2020-07-02. Review status: no assertion criteria provided. Collection method: clinical testing. Allele origin: germline.
Comment: This variant is classified as likely benign based on ACMG/AMP sequence variant interpretation guidelines (Richards et al. 2015 PMID: 25741868, with internal and published modifications).

NM_001134382.3(IQSEC1):c.*1589_*1591del

Gene: IQSEC1 (IQ motif and Sec7 domain ArfGEF 1; minus strand). Cytogenetic location: 3p25.2.
Variant type: Deletion.
Coding change: c.*1589_*1591del on transcript NM_001134382.3 (MANE Select); 1589 bases downstream of the stop codon through 1591 bases downstream of the stop codon, 3 bases deleted (CCT; older notation c.*1589_*1591delCCT).
Molecular consequence: 3 prime UTR variant.
Genome position (GRCh38, 1-based): chr3:12,899,392-12,899,394, AGG deleted on the plus strand (CCT on the coding strand, the reverse complement: IQSEC1 is on the minus strand); deleting any 3 consecutive bases within chr3:12,899,392-12,899,396 gives the same sequence; the c. name uses the placement nearest the transcript's 3' end. VCF-style (leftmost placement, unchanged base first): chr3-12899391-TAGG-T. GRCh37 (hg19) VCF-style: chr3-12940890-TAGG-T.
Other names: c.*2115_*2117del (NM_001330619.3); c.*1589_*1591del (NM_001376938.2); c.2888_2890del, p.Ser963del (NM_014869.8); short protein forms S963del.
Identifiers: ClinVar variation 3055055 (VCV003055055.2), dbSNP rs779988181, ClinGen allele CA2261650.